The following is an entry in ClinVar:

NM_013322.3(SNX10):c.203C>T (p.Ala68Val)

Gene: SNX10 (sorting nexin 10; plus strand). Cytogenetic location: 7p15.2.
Variant type: single nucleotide variant.
Coding change: c.203C>T on transcript NM_013322.3 (MANE Select); coding-DNA position 203, C replaced by T.
Protein change: p.Ala68Val; replaces alanine 68 with valine.
Molecular consequence: missense variant. On other transcripts: intron variant (1).
Genome position (GRCh38, 1-based): chr7:26,364,626, C>T. VCF-style: chr7-26364626-C-T. GRCh37 (hg19) VCF-style: chr7-26404246-C-T.
Other names: c.203C>T, p.Ala68Val (NM_001199835.1, NM_001318199.3); c.194C>T, p.Ala65Val (NM_001199837.3); c.281C>T, p.Ala94Val (NM_001318198.1, NM_001362753.1, NM_001362754.1); c.-41+124C>T (NM_001199838.2); short protein forms A65V, A68V, A94V.
Identifiers: ClinVar variation 1402414 (VCV001402414.7), dbSNP rs550159815, ClinGen allele CA4195194.

ClinVar aggregate classification (germline): Uncertain significance (1 of 4 stars; one submission).

Allele frequency attached by ClinVar (database versions not stated): TOPMed 0.00001; ExAC 0.00002; gnomAD 0.00002 and 0.00003; 1000 Genomes Project 0.00020; 1000 Genomes Project 30x 0.00031.
gnomAD v4.1: 11 of 1,609,660 alleles (0.00068%); highest among the groups gnomAD compares: African/African-American, 0.0027%; no homozygotes.

Submission:

Labcorp Genetics (formerly Invitae), Labcorp
Classification: Uncertain significance. Last evaluated: 2022-06-27. Review status: criteria provided, single submitter. Criteria: Invitae Variant Classification Sherloc (09022015). Collection method: clinical testing. Allele origin: germline.
Comment: In summary, the available evidence is currently insufficient to determine the role of this variant in disease. Therefore, it has been classified as a Variant of Uncertain Significance. Algorithms developed to predict the effect of missense changes on protein structure and function are either unavailable or do not agree on the potential impact of this missense change (SIFT: "Tolerated"; PolyPhen-2: "Possibly Damaging"; Align-GVGD: "Class C0"). This variant has not been reported in the literature in individuals affected with SNX10-related conditions. This variant is present in population databases (rs550159815, gnomAD 0.01%). This sequence change replaces alanine, which is neutral and non-polar, with valine, which is neutral and non-polar, at codon 68 of the SNX10 protein (p.Ala68Val).